The following is an entry in ClinVar:

ClinVar aggregate classification (germline): Uncertain significance (1 of 4 stars; one submission).

gnomAD v4.1: 47 of 1,613,984 alleles (0.0029%); highest among the groups gnomAD compares: Admixed American, 0.005%; 1 homozygote.

Submission:

Labcorp Genetics (formerly Invitae), Labcorp
Classification: Uncertain significance. Last evaluated: 2025-10-18. Review status: criteria provided, single submitter. Criteria: Invitae Variant Classification Sherloc (09022015). Collection method: clinical testing. Allele origin: germline.
Comment: This sequence change replaces proline, which is neutral and non-polar, with alanine, which is neutral and non-polar, at codon 340 of the FUT8 protein (p.Pro340Ala). This variant is present in population databases (rs374400133, gnomAD 0.009%). This variant has not been reported in the literature in individuals affected with FUT8-related conditions. Invitae Evidence Modeling of protein sequence and biophysical properties (such as structural, functional, and spatial information, amino acid conservation, physicochemical variation, residue mobility, and thermodynamic stability) indicates that this missense variant is not expected to disrupt FUT8 protein function with a negative predictive value of 80%. Algorithms developed to predict the effect of sequence changes on RNA splicing suggest that this variant may create or strengthen a splice site. In summary, the available evidence is currently insufficient to determine the role of this variant in disease. Therefore, it has been classified as a Variant of Uncertain Significance.

NM_001371533.1(FUT8):c.1018C>G (p.Pro340Ala)

Gene: FUT8 (fucosyltransferase 8; plus strand). Cytogenetic location: 14q23.3.
Variant type: single nucleotide variant.
Coding change: c.1018C>G on transcript NM_001371533.1 (MANE Select); coding-DNA position 1018, C replaced by G.
Protein change: p.Pro340Ala; replaces proline 340 with alanine.
Molecular consequence: missense variant.
Genome position (GRCh38, 1-based): chr14:65,721,957, C>G. VCF-style: chr14-65721957-C-G. GRCh37 (hg19) VCF-style: chr14-66188675-C-G.
Other names: c.1018C>G, p.Pro340Ala (NM_001371534.1, NM_178155.3, NM_178156.2); c.1120C>G, p.Pro374Ala (NM_001371536.1); c.529C>G, p.Pro177Ala (NM_004480.4); short protein forms P340A, P374A, P177A.
Identifiers: ClinVar variation 4693337 (VCV004693337.1).